The following is an entry in ClinVar:

ClinVar aggregate classification (germline): Uncertain significance (1 of 4 stars; one submission).

Conditions:
Infantile spasms. Also called: Infantile spasm. Identifiers: MedGen C3887898, HP:0012469.

gnomAD v4.1: 4 of 1,613,262 alleles (0.00025%); highest among the groups gnomAD compares: Admixed American, 0.0017%; no homozygotes.

Submission:

Labcorp Genetics (formerly Invitae), Labcorp
Classification: Uncertain significance for Infantile spasms. Last evaluated: 2021-01-30. Review status: criteria provided, single submitter. Criteria: Invitae Variant Classification Sherloc (09022015). Collection method: clinical testing. Allele origin: germline.
Comment: This variant has not been reported in the literature in individuals with PIK3AP1-related conditions. In summary, the available evidence is currently insufficient to determine the role of this variant in disease. Therefore, it has been classified as a Variant of Uncertain Significance. Algorithms developed to predict the effect of missense changes on protein structure and function are either unavailable or do not agree on the potential impact of this missense change (SIFT: "Tolerated"; PolyPhen-2: "Probably Damaging"; Align-GVGD: "Class C0"). This variant is not present in population databases (ExAC no frequency). This sequence change replaces valine with methionine at codon 418 of the PIK3AP1 protein (p.Val418Met). The valine residue is highly conserved and there is a small physicochemical difference between valine and methionine.

NM_152309.3(PIK3AP1):c.1252G>A (p.Val418Met)

Gene: PIK3AP1 (phosphoinositide-3-kinase adaptor protein 1; minus strand). Cytogenetic location: 10q24.1.
Variant type: single nucleotide variant.
Coding change: c.1252G>A on transcript NM_152309.3 (MANE Select); coding-DNA position 1252, G replaced by A.
Protein change: p.Val418Met; replaces valine 418 with methionine.
Molecular consequence: missense variant.
Genome position (GRCh38, 1-based): chr10:96,645,596, C>T on the plus strand (G>A on the coding strand, the complement: PIK3AP1 is on the minus strand). VCF-style: chr10-96645596-C-T. GRCh37 (hg19) VCF-style: chr10-98405353-C-T.
Other names: short protein forms V418M.
Identifiers: ClinVar variation 1480769 (VCV001480769.8), dbSNP rs562166763, ClinGen allele CA377744411.